The following is an entry in ClinVar:

NM_004360.5(CDH1):c.2590G>A (p.Glu864Lys)

Gene: CDH1 (cadherin 1; plus strand). Cytogenetic location: 16q22.1.
Variant type: single nucleotide variant.
Coding change: c.2590G>A on transcript NM_004360.5 (MANE Select); coding-DNA position 2590, G replaced by A.
Protein change: p.Glu864Lys; replaces glutamic acid 864 with lysine.
Molecular consequence: missense variant.
Genome position (GRCh38, 1-based): chr16:68,833,440, G>A. VCF-style: chr16-68833440-G-A. GRCh37 (hg19) VCF-style: chr16-68867343-G-A.
Other names: c.2590G>A (LRG_301t1); c.2407G>A, p.Glu803Lys (NM_001317184.2); c.1042G>A, p.Glu348Lys (NM_001317185.2); c.625G>A, p.Glu209Lys (NM_001317186.2); short protein forms E864K, E803K, E348K, E209K.
Identifiers: ClinVar variation 234912 (VCV000234912.33), dbSNP rs142927667, ClinGen allele CA8130311.

ClinVar aggregate classification (germline): Uncertain significance. Review status: criteria provided, multiple submitters, no conflicts (2 of 4 stars). 9 submissions from 8 submitters: Uncertain significance (9). Last evaluated 2025-07-29.

Conditions:
Blepharocheilodontic syndrome 1 (BCDS1). Identifiers: Orphanet 1997, MedGen C4551988, MONDO:0054740, OMIM 119580.
Hereditary cancer-predisposing syndrome. Also called: Tumor predisposition; Hereditary Cancer Syndrome; Hereditary neoplastic syndrome; Neoplastic Syndromes, Hereditary. Identifiers: Orphanet 140162, MedGen C0027672, MeSH D009386, MONDO:0015356.
Familial cancer of breast. Also called: hereditary breast carcinoma; BREAST CANCER, FAMILIAL; Hereditary breast cancer. Identifiers: Orphanet 227535, MedGen C0346153, MONDO:0016419, OMIM 114480. Disease mechanism: loss of function.
Hereditary diffuse gastric adenocarcinoma (HDGC). Also called: DIFFUSE GASTRIC AND LOBULAR BREAST CANCER SYNDROME. Identifiers: Orphanet 26106, MedGen C1708349, MONDO:0007648, OMIM 137215.

Allele frequency attached by ClinVar (database versions not stated): gnomAD exomes below 0.00001 and 0.00002; ExAC 0.00001; gnomAD 0.00002 and 0.00003; TOPMed 0.00004; ESP Exome Variant Server 0.00008.
gnomAD v4.1: 12 of 1,614,166 alleles (0.00074%); highest among the groups gnomAD compares: South Asian, 0.0044%; no homozygotes.

Submissions (9):

Labcorp Genetics (formerly Invitae), Labcorp
Classification: Uncertain significance for Hereditary diffuse gastric adenocarcinoma. Last evaluated: 2025-07-29. Review status: criteria provided, single submitter. Criteria: Invitae Variant Classification Sherloc (09022015). Collection method: clinical testing. Allele origin: germline.
Comment: This sequence change replaces glutamic acid, which is acidic and polar, with lysine, which is basic and polar, at codon 864 of the CDH1 protein (p.Glu864Lys). This variant is present in population databases (rs142927667, gnomAD 0.006%). This missense change has been observed in individual(s) with various forms of cancer including: colorectal cancer, ovarian cancer, endometrial cancer, breast cancer, giloblastoma, osteosarcoma, and/or clinical features of Lynch syndrome (PMID: 25980754, 27978560, 29470806, 30306255, 34326862, 36271359). ClinVar contains an entry for this variant (Variation ID: 234912). An algorithm developed to predict the effect of missense changes on protein structure and function (PolyPhen-2) suggests that this variant is likely to be disruptive. In summary, the available evidence is currently insufficient to determine the role of this variant in disease. Therefore, it has been classified as a Variant of Uncertain Significance.

Quest Diagnostics Nichols Institute San Juan Capistrano
Classification: Uncertain significance. Last evaluated: 2025-03-19. Review status: criteria provided, single submitter. Criteria: Quest Diagnostics criteria. Collection method: clinical testing. Allele origin: unknown.
Comment: The CDH1 c.2590G>A (p.Glu864Lys) variant has been reported in the published literature in individuals affected with breast cancer (PMID: 29470806 (2018), 33471991 (2021), see also LOVD), 36436516 (2023)), colorectal cancer (PMID: 27978560 (2016)), a Lynch Syndrome associated cancer (PMID: 25980754 (2015)), glioblastoma and osteosarcoma (PMID: 36271359 (2022)) and an unspecified cancer (PMID: 34326862 (2021)). This variant has also been observed in a reportedly healthy individual (PMID: 25150394 (2014)). The frequency of this variant in the general population (Genome Aggregation Database) is uninformative in the assessment of its pathogenicity. Analysis of this variant using bioinformatics tools for the prediction of the effect of amino acid changes on protein structure and function yielded conflicting predictions that this variant is benign or damaging. Based on the available information, we are unable to determine the clinical significance of this variant.

Center for Genomic Medicine, Rigshospitalet, Copenhagen University Hospital
Classification: Uncertain significance. Last evaluated: 2025-03-04. Review status: criteria provided, single submitter. Criteria: ACMG Guidelines, 2015. Collection method: clinical testing. Allele origin: germline.

Ambry Genetics
Classification: Uncertain significance for Hereditary cancer-predisposing syndrome. Last evaluated: 2025-01-21. Review status: criteria provided, single submitter. Criteria: Ambry Variant Classification Scheme 2023. Collection method: clinical testing. Allele origin: germline.
Comment: The p.E864K variant (also known as c.2590G>A), located in coding exon 16 of the CDH1 gene, results from a G to A substitution at nucleotide position 2590. The glutamic acid at codon 864 is replaced by lysine, an amino acid with similar properties. This alteration has been identified in individuals from multiple cancer cohorts, including colon cancer, and breast and/or ovarian cancer (Pearlman R et al. JAMA Oncol, 2017 Apr;3:464-471; Singh J et al. Breast Cancer Res Treat, 2018 Jul;170:189-196; Bonache S et al. J Cancer Res Clin Oncol, 2018 Dec;144:2495-2513; Dorling et al. N Engl J Med. 2021 02;384:428-439). This amino acid position is highly conserved through mammals but not in all available vertebrate species. In addition, the in silico prediction for this alteration is inconclusive. Since supporting evidence is limited at this time, the clinical significance of this alteration remains unclear.

GeneDx
Classification: Uncertain significance. Last evaluated: 2024-10-25. Review status: criteria provided, single submitter. Criteria: GeneDx Variant Classification Process June 2021. Collection method: clinical testing. Allele origin: germline. Affected: yes.
Comment: Not observed at significant frequency in large population cohorts (gnomAD); In silico analysis supports that this missense variant has a deleterious effect on protein structure/function; Observed in individuals with Lynch syndrome-related cancers or breast and/or ovarian cancers (PMID: 30306255, 29470806, 25980754, 27978560, 33471991); This variant is associated with the following publications: (PMID: 25980754, 27978560, 29470806, 30306255, 36271359, 33471991, 15235021, 22850631, 34326862)

Baylor Genetics
Classification: Uncertain significance for Familial cancer of breast. Last evaluated: 2023-08-18. Review status: criteria provided, single submitter. Criteria: ACMG Guidelines, 2015. Collection method: clinical testing. Allele origin: unknown.

European Reference Network on Genetic Tumour Risk Syndromes (ERN-GENTURIS), i3s - Instituto de Investigação e Inovação em Saúde, University of Porto
Classification: Uncertain significance for Hereditary diffuse gastric adenocarcinoma. Last evaluated: 2022-08-01. Review status: criteria provided, single submitter. Criteria: Lee et al. (Hum Mutat. 2018). Collection method: clinical testing. Allele origin: germline. Inheritance: Autosomal dominant inheritance. Affected: no. Study: ERN GENTURIS.
Comment: BS2_Supporting (PMID: 30311375)

Color Diagnostics, LLC DBA Color Health
Classification: Uncertain significance for Hereditary cancer-predisposing syndrome. Last evaluated: 2021-05-17. Review status: criteria provided, single submitter. Criteria: ACMG Guidelines, 2015. Collection method: clinical testing. Allele origin: germline.
Comment: This missense variant replaces glutamic acid with lysine at codon 864 of the CDH1 protein. To our knowledge, functional studies have not been reported for this variant. This variant has not been reported in individuals affected with diffuse gastric cancer or lobular breast cancer in the literature, but has been observed in an individual suspected of Lynch syndrome (PMID 25980754), an individual with colorectal cancer (PMID 27978560), an individual affected with ovarian cancer (PMID 30306255), and an individual with a personal and/or family history of breast and/or ovarian cancer (PMID: 29470806). This variant has been identified in 4/251476 chromosomes in the general population by the Genome Aggregation Database (gnomAD). The available evidence is insufficient to determine the role of this variant in disease conclusively. Therefore, this variant is classified as a Variant of Uncertain Significance.

Baylor Genetics
Classification: Uncertain significance for Blepharocheilodontic syndrome 1. Last evaluated: 2019-07-31. Review status: criteria provided, single submitter. Criteria: ACMG Guidelines, 2015. Collection method: clinical testing. Allele origin: paternal. Affected: yes. Study: CSER-TexasKidsCanSeq.
Comment: This variant was determined to be of uncertain significance according to ACMG Guidelines, 2015 [PMID:25741868].

Literature cited by the submitters: PubMed 25980754 (cited by 3 submitters); PubMed 27978560 (cited by 4 submitters); PubMed 29470806 (cited by 4 submitters); PubMed 30306255 (cited by 3 submitters); PubMed 34326862 (cited by Labcorp Genetics (formerly Invitae), Labcorp and Quest Diagnostics Nichols Institute San Juan Capistrano); PubMed 36271359 (cited by Labcorp Genetics (formerly Invitae), Labcorp and Quest Diagnostics Nichols Institute San Juan Capistrano); PubMed 33471991 (cited by Quest Diagnostics Nichols Institute San Juan Capistrano and Ambry Genetics); PubMed 25150394 (cited by Quest Diagnostics Nichols Institute San Juan Capistrano); PubMed 36436516 (cited by Quest Diagnostics Nichols Institute San Juan Capistrano and European Reference Network on Genetic Tumour Risk Syndromes (ERN-GENTURIS), i3s - Instituto de Investigação e Inovação em Saúde, University of Porto).